The following is an entry in ClinVar:

ClinVar aggregate classification (germline): Uncertain significance (1 of 4 stars; one submission).

Conditions:
Colorectal cancer, hereditary nonpolyposis, type 7. Identifiers: Orphanet 144, MedGen C1858380, MONDO:0013725, OMIM 614385.

Submission:

Labcorp Genetics (formerly Invitae), Labcorp
Classification: Uncertain significance for Colorectal cancer, hereditary nonpolyposis, type 7. Last evaluated: 2021-06-13. Review status: criteria provided, single submitter. Criteria: Invitae Variant Classification Sherloc (09022015). Collection method: clinical testing. Allele origin: germline.
Comment: This sequence change replaces serine with cysteine at codon 737 of the MLH3 protein (p.Ser737Cys). The serine residue is weakly conserved and there is a moderate physicochemical difference between serine and cysteine. This variant is not present in population databases (ExAC no frequency). This variant has not been reported in the literature in individuals with MLH3-related conditions. Algorithms developed to predict the effect of missense changes on protein structure and function are either unavailable or do not agree on the potential impact of this missense change (SIFT: "Tolerated"; PolyPhen-2: "Possibly Damaging"; Align-GVGD: "Class C0"). In summary, the available evidence is currently insufficient to determine the role of this variant in disease. Therefore, it has been classified as a Variant of Uncertain Significance.

NM_001040108.2(MLH3):c.2210C>G (p.Ser737Cys)

Gene: MLH3 (mutL homolog 3; minus strand). Cytogenetic location: 14q24.3.
Variant type: single nucleotide variant.
Coding change: c.2210C>G on transcript NM_001040108.2 (MANE Select); coding-DNA position 2210, C replaced by G.
Protein change: p.Ser737Cys; replaces serine 737 with cysteine.
Molecular consequence: missense variant.
Genome position (GRCh38, 1-based): chr14:75,047,446, G>C on the plus strand (C>G on the coding strand, the complement: MLH3 is on the minus strand). VCF-style: chr14-75047446-G-C. GRCh37 (hg19) VCF-style: chr14-75514149-G-C.
Other names: c.2210C>G, p.Ser737Cys (NM_014381.3); short protein forms S737C.
Identifiers: ClinVar variation 1483394 (VCV001483394.8), dbSNP rs2139567278, ClinGen allele CA390441201.
Genomic context (GRCh38, chr14:75,047,446, plus strand): 5'-AACTTCTCTAAAGATCCTAGCTGTGAACTCAAGCTTAGCTTCTTACGGACGATTGGTTTG[G>C]AGAAACCAATTAATTTATCTGTTTTCCTACTATCATTGGAAACGTGTCTATACCAGGGGA-3'
Protein context (NP_001035197.1, residues 727-747): SRKTDKLIGF[Ser737Cys]KPIVRKKLSL